The following is an entry in ClinVar:

NM_000017.4(ACADS):c.962T>C (p.Leu321Pro)

Gene: ACADS (acyl-CoA dehydrogenase short chain; plus strand). Cytogenetic location: 12q24.31.
Variant type: single nucleotide variant.
Coding change: c.962T>C on transcript NM_000017.4 (MANE Select); coding-DNA position 962, T replaced by C.
Protein change: p.Leu321Pro; replaces leucine 321 with proline.
Molecular consequence: missense variant.
Genome position (GRCh38, 1-based): chr12:120,738,848, T>C. VCF-style: chr12-120738848-T-C. GRCh37 (hg19) VCF-style: chr12-121176651-T-C.
Other names: c.950T>C, p.Leu317Pro (NM_001302554.2); short protein forms L317P, L321P.
Identifiers: ClinVar variation 3638857 (VCV003638857.2).

ClinVar aggregate classification (germline): Uncertain significance (1 of 4 stars; one submission).

Conditions:
Deficiency of butyryl-CoA dehydrogenase (ACADSD). Also called: ACADS DEFICIENCY; Short-Chain Acyl-CoA Dehydrogenase Deficiency; SCADH DEFICIENCY; SCAD DEFICIENCY, MILD; ACYL-CoA DEHYDROGENASE, SHORT-CHAIN, DEFICIENCY OF; SCAD Deficiency. Identifiers: Orphanet 26792, MedGen C0342783, MONDO:0008722, OMIM 201470. Disease mechanism: May be benign.

gnomAD v4.1: 1 of 1,613,540 alleles (0.000062%); no homozygotes.

Submission:

Labcorp Genetics (formerly Invitae), Labcorp
Classification: Uncertain significance for Deficiency of butyryl-CoA dehydrogenase. Last evaluated: 2024-02-22. Review status: criteria provided, single submitter. Criteria: Invitae Variant Classification Sherloc (09022015). Collection method: clinical testing. Allele origin: germline.
Comment: This sequence change replaces leucine, which is neutral and non-polar, with proline, which is neutral and non-polar, at codon 321 of the ACADS protein (p.Leu321Pro). This variant is not present in population databases (gnomAD no frequency). This variant has not been reported in the literature in individuals affected with ACADS-related conditions. Advanced modeling of protein sequence and biophysical properties (such as structural, functional, and spatial information, amino acid conservation, physicochemical variation, residue mobility, and thermodynamic stability) performed at Invitae indicates that this missense variant is expected to disrupt ACADS protein function with a positive predictive value of 95%. In summary, the available evidence is currently insufficient to determine the role of this variant in disease. Therefore, it has been classified as a Variant of Uncertain Significance.